The following is an entry in ClinVar:

NM_002016.2(FLG):c.6648G>A (p.Trp2216Ter)

Genes: CCDST (cervical cancer associated DHX9 suppressive transcript; plus strand), FLG (filaggrin; minus strand). Cytogenetic location: 1q21.3.
Variant type: single nucleotide variant.
Coding change: c.6648G>A on transcript NM_002016.2 (MANE Select); coding-DNA position 6648, G replaced by A.
Protein change: p.Trp2216Ter; replaces tryptophan 2216 with a stop codon.
Molecular consequence: nonsense.
Genome position (GRCh38, 1-based): chr1:152,308,238, C>T on the plus strand (G>A on the coding strand, the complement: FLG is on the minus strand). VCF-style: chr1-152308238-C-T. GRCh37 (hg19) VCF-style: chr1-152280714-C-T.
Other names: short protein forms W2216*.
Identifiers: ClinVar variation 4911758 (VCV004911758.2).

ClinVar aggregate classification (germline): Pathogenic/Likely pathogenic. Review status: criteria provided, multiple submitters, no conflicts (2 of 4 stars). 2 submissions from 2 submitters: Pathogenic (1); Likely pathogenic (1). Last evaluated 2026-03-30.

Conditions:
FLG-related disorder. Also called: FLG-related condition; FLG-related disorders.

gnomAD v4.1: 15 of 1,613,814 alleles (0.00093%); highest among the groups gnomAD compares: Admixed American, 0.0033%; no homozygotes.

Submissions (2):

GeneDx
Classification: Pathogenic. Last evaluated: 2026-03-30. Review status: criteria provided, single submitter. Criteria: GeneDx Variant Classification Process June 2021. Collection method: clinical testing. Allele origin: germline.
Comment: Nonsense variant predicted to result in protein truncation, as the last 1846 amino acid(s) are lost, and other loss-of-function variants have been reported downstream in HGMD; Not observed at significant frequency in large population cohorts (gnomAD); Has not been previously published as pathogenic or benign to our knowledge

Blueprint Genetics
Classification: Likely pathogenic for FLG-related disorders. Last evaluated: 2021-02-09. Review status: criteria provided, single submitter. Criteria: ACMG Guidelines, 2015. Collection method: clinical testing. Allele origin: germline. Affected: yes. Observed: 2 variant alleles.